The following is an entry in ClinVar:

NM_024422.6(DSC2):c.1706A>T (p.Asp569Val)

Gene: DSC2 (desmocollin 2; minus strand). Cytogenetic location: 18q12.1.
Variant type: single nucleotide variant.
Coding change: c.1706A>T on transcript NM_024422.6 (MANE Select); coding-DNA position 1706, A replaced by T.
Protein change: p.Asp569Val; replaces aspartic acid 569 with valine.
Molecular consequence: missense variant.
Genome position (GRCh38, 1-based): chr18:31,074,865, T>A on the plus strand (A>T on the coding strand, the complement: DSC2 is on the minus strand). VCF-style: chr18-31074865-T-A. GRCh37 (hg19) VCF-style: chr18-28654831-T-A.
Other names: c.1277A>T, p.Asp426Val (NM_001406506.1, NM_001406507.1); c.1706A>T, p.Asp569Val (NM_004949.5); short protein forms D569V, D426V.
Identifiers: ClinVar variation 2775178 (VCV002775178.2), dbSNP rs2510943019, ClinGen allele CA402114353.
Genomic context (GRCh38, chr18:31,074,865, plus strand): 5'-ATGGTGGGTTTGCAGATGATCACTGTCTTTTTAGGTATGAATGGGCTGTTATCATTCACG[T>A]CTTGAAGTATAATGCCCAGTGTCCCCGTACATGTTCTCCCTCCTAGAAAAATGAAAATAA-3'
Protein context (NP_077740.1, residues 559-579): CTGTLGIILQ[Asp569Val]VNDNSPFIPK

ClinVar aggregate classification (germline): Uncertain significance (1 of 4 stars; one submission).

Conditions:
Cardiomyopathy (CMYO). Also called: Cardiomyopathies. Identifiers: Orphanet 167848, MedGen C0878544, MONDO:0004994, HP:0001638. Inheritance: Various modes of inheritance.

Submission:

Color Diagnostics, LLC DBA Color Health
Classification: Uncertain significance for Cardiomyopathy. Last evaluated: 2024-03-07. Review status: criteria provided, single submitter. Criteria: ACMG Guidelines, 2015. Collection method: clinical testing. Allele origin: germline.
Comment: This missense variant replaces aspartic acid with valine at codon 569 of the DSC2 protein. Computational prediction is inconclusive regarding the impact of this variant on protein structure and function (internally defined REVEL score threshold 0.5 < inconclusive < 0.7, PMID: 27666373). To our knowledge, functional studies have not been reported for this variant. This variant has not been reported in individuals affected with cardiovascular disorders in the literature. This variant has not been identified in the general population by the Genome Aggregation Database (gnomAD). The available evidence is insufficient to determine the role of this variant in disease conclusively. Therefore, this variant is classified as a Variant of Uncertain Significance.